The following is an entry in ClinVar:

ClinVar aggregate classification (germline): Uncertain significance. Review status: criteria provided, multiple submitters, no conflicts (2 of 4 stars). 2 submissions from 2 submitters: Uncertain significance (2). Last evaluated 2025-01-27.

Conditions:
Fanconi anemia (FA). Also called: Fanconi's anemia. Identifiers: Orphanet 84, MedGen C0015625, MeSH D005199, MONDO:0019391.
Inborn genetic diseases. Identifiers: MedGen C0950123, MeSH D030342.

Submissions (2):

Ambry Genetics
Classification: Uncertain significance for Inborn genetic diseases. Last evaluated: 2025-01-27. Review status: criteria provided, single submitter. Criteria: Ambry Variant Classification Scheme 2023. Collection method: clinical testing. Allele origin: germline.
Comment: The p.E1214V variant (also known as c.3641A>T), located in coding exon 37 of the FANCA gene, results from an A to T substitution at nucleotide position 3641. The glutamic acid at codon 1214 is replaced by valine, an amino acid with dissimilar properties. This amino acid position is conserved. In addition, this alteration is predicted to be tolerated by in silico analysis. Based on the available evidence, the clinical significance of this variant remains unclear.

Labcorp Genetics (formerly Invitae), Labcorp
Classification: Uncertain significance for Fanconi anemia. Last evaluated: 2023-01-24. Review status: criteria provided, single submitter. Criteria: Invitae Variant Classification Sherloc (09022015). Collection method: clinical testing. Allele origin: germline.
Comment: In summary, the available evidence is currently insufficient to determine the role of this variant in disease. Therefore, it has been classified as a Variant of Uncertain Significance. Advanced modeling of protein sequence and biophysical properties (such as structural, functional, and spatial information, amino acid conservation, physicochemical variation, residue mobility, and thermodynamic stability) performed at Invitae indicates that this missense variant is not expected to disrupt FANCA protein function. This variant has not been reported in the literature in individuals affected with FANCA-related conditions. This variant is not present in population databases (gnomAD no frequency). This sequence change replaces glutamic acid, which is acidic and polar, with valine, which is neutral and non-polar, at codon 1214 of the FANCA protein (p.Glu1214Val).

NM_000135.4(FANCA):c.3641A>T (p.Glu1214Val)

Gene: FANCA (FA complementation group A; minus strand). Cytogenetic location: 16q24.3.
Variant type: single nucleotide variant.
Coding change: c.3641A>T on transcript NM_000135.4 (MANE Select); coding-DNA position 3641, A replaced by T.
Protein change: p.Glu1214Val; replaces glutamic acid 1214 with valine.
Molecular consequence: missense variant.
Genome position (GRCh38, 1-based): chr16:89,742,924, T>A on the plus strand (A>T on the coding strand, the complement: FANCA is on the minus strand). VCF-style: chr16-89742924-T-A. GRCh37 (hg19) VCF-style: chr16-89809332-T-A.
Other names: c.3641A>T, p.Glu1214Val (NM_001286167.3); short protein forms E1214V.
Identifiers: ClinVar variation 2901345 (VCV002901345.4), dbSNP rs2143062955, ClinGen allele CA397485526.
Genomic context (GRCh38, chr16:89,742,924, plus strand): 5'-ATCGCAAAGTGCAGTGCAGCAGCTGAGAGCCAGTCCGGGTTGGGTGCTGGGGAGGCAGCC[T>A]CAGGGGAGAGGAAACTGGGACAGAGAGAACGGGGTCATTGCAGGGCCTTACAACCATACA-3'
Protein context (NP_000126.2, residues 1204-1224): RQFASDFLSP[Glu1214Val]AASPAPNPDW